The following is an entry in ClinVar:

NM_001379500.1(COL18A1):c.2847_2855del (p.Arg950_Tyr952del)

Genes: COL18A1 (collagen type XVIII alpha 1 chain; plus strand), SLC19A1 (solute carrier family 19 member 1; minus strand). Cytogenetic location: 21q22.3.
Variant type: Deletion.
Coding change: c.2847_2855del on transcript NM_001379500.1 (MANE Select); coding-DNA positions 2847 to 2855, 9 bases deleted (ACGTGGCTA; older notation c.2847_2855delACGTGGCTA).
Protein change: p.Arg950_Tyr952del.
Genome position (GRCh38, 1-based): chr21:45,504,535-45,504,543, ACGTGGCTA deleted. VCF-style (leftmost placement, unchanged base first): chr21-45504534-CACGTGGCTA-C. GRCh37 (hg19) VCF-style: chr21-46924448-CACGTGGCTA-C.
Other names: c.3378_3386del, p.Arg1127_Tyr1129del (NM_030582.4); c.4083_4091del, p.Arg1362_Tyr1364del (NM_130444.3).
Identifiers: ClinVar variation 3060537 (VCV003060537.1), dbSNP rs2517784078, ClinGen allele CA2740094754.
Genomic context (GRCh38, chr21:45,504,534, plus strand): 5'-GCGGCGGTTTCTTCGGCTCCAGCCTGCCCGGCCCCCCCGGCCCCCCAGGCCCCCCAGGCC[CACGTGGCTA>C]CCCTGGGATTCCAGTAAGTCCCAGCCTGTGCAGGCAGAGCCCATGTCCCAGGGGTCTGGG-3'

ClinVar aggregate classification (germline): Benign (1 of 4 stars; one submission).

Conditions:
COL18A1-related disorder. Also called: COL18A1-related condition; COL18A1-related disorders.

Submission:

PreventionGenetics, part of Exact Sciences
Classification: Benign for COL18A1-related condition. Last evaluated: 2021-02-11. Review status: criteria provided, single submitter. Criteria: ACMG Guidelines, 2015. Collection method: clinical testing. Allele origin: germline.
Comment: This variant is classified as benign based on ACMG/AMP sequence variant interpretation guidelines (Richards et al. 2015 PMID: 25741868, with internal and published modifications).